The following is an entry in ClinVar:

ClinVar aggregate classification (germline): Uncertain significance. Review status: criteria provided, multiple submitters, no conflicts (2 of 4 stars). 2 submissions from 2 submitters: Uncertain significance (2). Last evaluated 2024-10-31.

Submissions (2):

GeneDx
Classification: Uncertain significance. Last evaluated: 2024-10-31. Review status: criteria provided, single submitter. Criteria: GeneDx Variant Classification Process June 2021. Collection method: clinical testing. Allele origin: germline. Affected: yes.
Comment: Not observed at significant frequency in large population cohorts (gnomAD); In silico analysis indicates that this missense variant does not alter protein structure/function; Has not been previously published as pathogenic or benign to our knowledge

Labcorp Genetics (formerly Invitae), Labcorp
Classification: Uncertain significance. Last evaluated: 2021-09-02. Review status: criteria provided, single submitter. Criteria: Invitae Variant Classification Sherloc (09022015). Collection method: clinical testing. Allele origin: germline.
Comment: Algorithms developed to predict the effect of sequence changes on RNA splicing suggest that this variant may create or strengthen a splice site. Algorithms developed to predict the effect of missense changes on protein structure and function output the following: SIFT: "Tolerated"; PolyPhen-2: "Benign"; Align-GVGD: "Class C0". The glycine amino acid residue is found in multiple mammalian species, which suggests that this missense change does not adversely affect protein function. This variant has not been reported in the literature in individuals affected with SETBP1-related conditions. This variant is not present in population databases (ExAC no frequency). This sequence change replaces serine with glycine at codon 1201 of the SETBP1 protein (p.Ser1201Gly). The serine residue is moderately conserved and there is a small physicochemical difference between serine and glycine. In summary, the available evidence is currently insufficient to determine the role of this variant in disease. Therefore, it has been classified as a Variant of Uncertain Significance.

NM_015559.3(SETBP1):c.3601A>G (p.Ser1201Gly)

Gene: SETBP1 (SET binding protein 1; plus strand). Cytogenetic location: 18q12.3.
Variant type: single nucleotide variant.
Coding change: c.3601A>G on transcript NM_015559.3 (MANE Select); coding-DNA position 3601, A replaced by G.
Protein change: p.Ser1201Gly; replaces serine 1201 with glycine.
Molecular consequence: missense variant.
Genome position (GRCh38, 1-based): chr18:44,952,941, A>G. VCF-style: chr18-44952941-A-G. GRCh37 (hg19) VCF-style: chr18-42532906-A-G.
Other names: c.3601A>G, p.Ser1201Gly (NM_001379141.1, NM_001379142.1); c.3601A>G (NM_015559.2); short protein forms S1201G.
Identifiers: ClinVar variation 1425458 (VCV001425458.7), dbSNP rs2145114056, ClinGen allele CA402324767.
Genomic context (GRCh38, chr18:44,952,941, plus strand): 5'-TTCTCCAGCCACATCCTGAGCGAGCGGCTGAGTAGCGCAGACAAAGAGCTCCCGCTGGTG[A>G]GTGAGAAGAACAAGCATAAGGAGAAACAGAAGCACCAGCACAGCGAAGCCGGCCACAAAG-3'
Protein context (NP_056374.2, residues 1191-1211): SSADKELPLV[Ser1201Gly]EKNKHKEKQK